The following is an entry in ClinVar:

NM_024312.4:c.750+3A>C

Gene: GNPTAB (N-acetylglucosamine-1-phosphate transferase subunits alpha and beta; minus strand). Cytogenetic location: 12q23.3.
Variant type: single nucleotide variant.
Identifiers: ClinVar variation 39088 (VCV000039088.3).

ClinVar aggregate classification (germline): Pathogenic (0 of 4 stars; one submission).

Conditions:
Mucolipidosis type II. Also called: Mucolipidosis 2; ML 2; Inclusion cell disease; Leroy Disease; N-acetylglucosamine 1phosphotransferase deficiency; ML disorder type 2. Identifiers: Orphanet 576, MedGen C2673377, MONDO:0009650, OMIM 252500.

Submission:

GeneReviews
Classification: Pathogenic for Mucolipidosis II. Last evaluated: 2012-05-10. Review status: no assertion criteria provided. Collection method: curation. Allele origin: unknown.
ClinVar note: Converted during submission from pathologic to Pathogenic.